The following is an entry in ClinVar:

NM_004519.4(KCNQ3):c.2185A>G (p.Lys729Glu)

Gene: KCNQ3 (potassium voltage-gated channel subfamily Q member 3; minus strand). Cytogenetic location: 8q24.22.
Variant type: single nucleotide variant.
Coding change: c.2185A>G on transcript NM_004519.4 (MANE Select); coding-DNA position 2185, A replaced by G.
Protein change: p.Lys729Glu; replaces lysine 729 with glutamic acid.
Molecular consequence: missense variant.
Genome position (GRCh38, 1-based): chr8:132,129,696, T>C on the plus strand (A>G on the coding strand, the complement: KCNQ3 is on the minus strand). VCF-style: chr8-132129696-T-C. GRCh37 (hg19) VCF-style: chr8-133141943-T-C.
Other names: c.1825A>G, p.Lys609Glu (NM_001204824.2); short protein forms K729E, K609E.
Identifiers: ClinVar variation 1907884 (VCV001907884.5), dbSNP rs777401183, ClinGen allele CA4880493.

ClinVar aggregate classification (germline): Uncertain significance (1 of 4 stars; one submission).

Conditions:
Benign neonatal seizures. Also called: Benign neonatal familial convulsions; Benign familial neonatal seizures; Convulsions benign familial neonatal dominant form; Autosomal dominant form of benign neonatal seizures; Benign familial neonatal epilepsy. Identifiers: Orphanet 1949, MedGen C0220669, MONDO:0016027.

Allele frequency attached by ClinVar (database versions not stated): ExAC 0.00001.
gnomAD v4.1: 8 of 1,614,084 alleles (0.0005%); highest among the groups gnomAD compares: Non-Finnish European, 0.00051%; no homozygotes.

Submission:

Labcorp Genetics (formerly Invitae), Labcorp
Classification: Uncertain significance for Benign neonatal seizures. Last evaluated: 2025-08-24. Review status: criteria provided, single submitter. Criteria: Invitae Variant Classification Sherloc (09022015). Collection method: clinical testing. Allele origin: germline.
Comment: This sequence change replaces lysine, which is basic and polar, with glutamic acid, which is acidic and polar, at codon 729 of the KCNQ3 protein (p.Lys729Glu). This variant is present in population databases (rs777401183, gnomAD 0.004%). This variant has not been reported in the literature in individuals affected with KCNQ3-related conditions. ClinVar contains an entry for this variant (Variation ID: 1907884). Invitae Evidence Modeling of protein sequence and biophysical properties (such as structural, functional, and spatial information, amino acid conservation, physicochemical variation, residue mobility, and thermodynamic stability) indicates that this missense variant is not expected to disrupt KCNQ3 protein function with a negative predictive value of 95%. In summary, the available evidence is currently insufficient to determine the role of this variant in disease. Therefore, it has been classified as a Variant of Uncertain Significance.